The following is an entry in ClinVar:

NM_005633.4(SOS1):c.3976C>G (p.Leu1326Val)

Gene: SOS1 (SOS Ras/Rac guanine nucleotide exchange factor 1; minus strand). Cytogenetic location: 2p22.1.
Variant type: single nucleotide variant.
Coding change: c.3976C>G on transcript NM_005633.4 (MANE Select); coding-DNA position 3976, C replaced by G.
Protein change: p.Leu1326Val; replaces leucine 1326 with valine.
Molecular consequence: missense variant.
Genome position (GRCh38, 1-based): chr2:38,985,850, G>C on the plus strand (C>G on the coding strand, the complement: SOS1 is on the minus strand). VCF-style: chr2-38985850-G-C. GRCh37 (hg19) VCF-style: chr2-39212991-G-C.
Other names: c.3955C>G, p.Leu1319Val (NM_001382394.1); c.3931C>G, p.Leu1311Val (NM_001382395.1); short protein forms L1311V, L1319V, L1326V.
Identifiers: ClinVar variation 4752126 (VCV004752126.2).

ClinVar aggregate classification (germline): Uncertain significance. Review status: criteria provided, multiple submitters, no conflicts (2 of 4 stars). 2 submissions from 2 submitters: Uncertain significance (2). Last evaluated 2026-08-24.

Conditions:
RASopathy. Also called: rasopathies; Noonan spectrum disorder. Identifiers: Orphanet 536391, MedGen C5555857, MONDO:0021060.
Cardiovascular phenotype. Identifiers: MedGen CN230736.

gnomAD v4.1: 3 of 1,613,732 alleles (0.00019%); highest among the groups gnomAD compares: African/African-American, 0.004%; no homozygotes.

Submissions (2):

Ambry Genetics
Classification: Uncertain significance for Cardiovascular phenotype. Last evaluated: 2026-08-24. Review status: criteria provided, single submitter. Criteria: Ambry Variant Classification Scheme 2023. Collection method: clinical testing. Allele origin: germline.
Comment: The p.L1326V variant (also known as c.3976C>G), located in coding exon 23 of the SOS1 gene, results from a C to G substitution at nucleotide position 3976. The leucine at codon 1326 is replaced by valine, an amino acid with highly similar properties. This amino acid position is conserved. In addition, the in silico prediction for this alteration is inconclusive. Based on the available evidence, the clinical significance of this variant remains unclear.

Labcorp Genetics (formerly Invitae), Labcorp
Classification: Uncertain significance for RASopathy. Last evaluated: 2025-05-13. Review status: criteria provided, single submitter. Criteria: Invitae Variant Classification Sherloc (09022015). Collection method: clinical testing. Allele origin: germline.
Comment: This sequence change replaces leucine, which is neutral and non-polar, with valine, which is neutral and non-polar, at codon 1326 of the SOS1 protein (p.Leu1326Val). This variant is not present in population databases (gnomAD no frequency). This variant has not been reported in the literature in individuals affected with SOS1-related conditions. Invitae Evidence Modeling of protein sequence and biophysical properties (such as structural, functional, and spatial information, amino acid conservation, physicochemical variation, residue mobility, and thermodynamic stability) indicates that this missense variant is not expected to disrupt SOS1 protein function with a negative predictive value of 95%. In summary, the available evidence is currently insufficient to determine the role of this variant in disease. Therefore, it has been classified as a Variant of Uncertain Significance.